The following is an entry in ClinVar:

ClinVar aggregate classification (germline): Pathogenic/Likely pathogenic. Review status: criteria provided, multiple submitters, no conflicts (2 of 4 stars). 4 submissions from 4 submitters: Pathogenic (1); Likely pathogenic (3). Last evaluated 2023-06-29.

Conditions:
COL4A1-related disorder. Also called: COL4A1-related disorders; COL4A1-related condition. Identifiers: MedGen CN376119, MONDO:0800461.
Retinal arterial tortuosity. Also called: RETINAL HEMORRHAGE WITH VASCULAR TORTUOSITY; Retinal arteries, tortuosity of. Identifiers: Orphanet 75326, MedGen C0423401, MONDO:0008373, OMIM 180000, HP:0000631.
Microangiopathy and leukoencephalopathy, pontine, autosomal dominant. Also called: Pontine autosomal dominant microangiopathy with leukoencephalopathy; DEMENTIA, HEREDITARY MULTI-INFARCT, SWEDISH TYPE. Identifiers: Orphanet 477749, MedGen C5231411, MONDO:0032814, OMIM 618564.
Autosomal dominant familial hematuria-retinal arteriolar tortuosity-contractures syndrome. Also called: Hereditary Angiopathy with Nephropathy, Aneurysms, and Muscle Cramps (HANAC) Syndrome; Angiopathy, hereditary, with nephropathy, aneurysms, and muscle cramps. Identifiers: Orphanet 73229, MedGen C2673195, MONDO:0012726, OMIM 611773.
Hemorrhage, intracerebral, susceptibility to (ICH). Also called: Stroke, hemorrhagic, susceptibility to. Identifiers: MedGen C3281105, MONDO:0100533, OMIM 614519.
Brain small vessel disease 1 with or without ocular anomalies (BSVD1). Also called: BRAIN SMALL VESSEL DISEASE WITH HEMORRHAGE; GOULD SYNDROME 1; PORENCEPHALY, TYPE 1, AUTOSOMAL DOMINANT; Brain small vessel disease with or without ocular anomalies. Identifiers: Orphanet 2940, Orphanet 36383, Orphanet 99810, MedGen C4755307, MONDO:0008289, OMIM 175780.

Allele frequency attached by ClinVar (database versions not stated): gnomAD exomes below 0.00001; gnomAD 0.00001; TOPMed 0.00001.
gnomAD v4.1: 2 of 1,614,080 alleles (0.00012%); highest among the groups gnomAD compares: Middle Eastern, 0.016%; no homozygotes.

Submissions (4):

Blueprint Genetics
Classification: Likely pathogenic for COL4A1-related disorders. Last evaluated: 2023-06-29. Review status: criteria provided, single submitter. Criteria: ACMG Guidelines, 2015. Collection method: clinical testing. Allele origin: germline. Affected: yes. Observed: 2 variant alleles.

PreventionGenetics, part of Exact Sciences
Classification: Likely pathogenic for COL4A1-related condition. Last evaluated: 2023-02-16. Review status: criteria provided, single submitter. Criteria: ACMG Guidelines, 2015. Collection method: clinical testing. Allele origin: germline.
Comment: The COL4A1 c.3187C>T variant is predicted to result in premature protein termination (p.Arg1063*). To our knowledge, this variant has not been reported in the literature or in a large population database, indicating this variant is rare. Nonsense variants in COL4A1 are expected to be pathogenic. This variant is interpreted as likely pathogenic.

Fulgent Genetics
Classification: Likely pathogenic for Brain small vessel disease 1 with or without ocular anomalies; Retinal arterial tortuosity; Autosomal dominant familial hematuria-retinal arteriolar tortuosity-contractures syndrome; Hemorrhage, intracerebral, susceptibility to; Microangiopathy and leukoencephalopathy, pontine, autosomal dominant. Last evaluated: 2022-03-11. Review status: criteria provided, single submitter. Criteria: ACMG Guidelines, 2015. Collection method: clinical testing. Allele origin: unknown.

Labcorp Genetics (formerly Invitae), Labcorp
Classification: Pathogenic. Last evaluated: 2021-06-10. Review status: criteria provided, single submitter. Criteria: Invitae Variant Classification Sherloc (09022015). Collection method: clinical testing. Allele origin: germline.
Comment: For these reasons, this variant has been classified as Pathogenic. Algorithms developed to predict the effect of sequence changes on RNA splicing suggest that this variant may create or strengthen a splice site, but this prediction has not been confirmed by published transcriptional studies. This variant has not been reported in the literature in individuals with COL4A1-related conditions. This variant is not present in population databases (ExAC no frequency). This sequence change creates a premature translational stop signal (p.Arg1063*) in the COL4A1 gene. It is expected to result in an absent or disrupted protein product. Loss-of-function variants in COL4A1 are known to be pathogenic (PMID: 23225343).

Literature cited by the submitters: PubMed 23225343 (cited by Labcorp Genetics (formerly Invitae), Labcorp).

NM_001845.6(COL4A1):c.3187C>T (p.Arg1063Ter)

Gene: COL4A1 (collagen type IV alpha 1 chain; minus strand). Cytogenetic location: 13q34.
Variant type: single nucleotide variant.
Coding change: c.3187C>T on transcript NM_001845.6 (MANE Select); coding-DNA position 3187, C replaced by T.
Protein change: p.Arg1063Ter; replaces arginine 1063 with a stop codon.
Molecular consequence: nonsense.
Genome position (GRCh38, 1-based): chr13:110,175,229, G>A on the plus strand (C>T on the coding strand, the complement: COL4A1 is on the minus strand). VCF-style: chr13-110175229-G-A. GRCh37 (hg19) VCF-style: chr13-110827576-G-A.
Other names: c.3187C>T (NM_001845.5); short protein forms R1063*.
Identifiers: ClinVar variation 1417465 (VCV001417465.9), dbSNP rs1877827904, ClinGen allele CA388665438.